The following is an entry in ClinVar:

NM_000552.5(VWF):c.6356C>G (p.Pro2119Arg)

Gene: VWF (von Willebrand factor; minus strand). Cytogenetic location: 12p13.31.
Variant type: single nucleotide variant.
Coding change: c.6356C>G on transcript NM_000552.5 (MANE Select); coding-DNA position 6356, C replaced by G.
Protein change: p.Pro2119Arg; replaces proline 2119 with arginine.
Molecular consequence: missense variant.
Genome position (GRCh38, 1-based): chr12:5,994,104, G>C on the plus strand (C>G on the coding strand, the complement: VWF is on the minus strand). VCF-style: chr12-5994104-G-C. GRCh37 (hg19) VCF-style: chr12-6103270-G-C.
Other names: p.Pro2119Arg; short protein forms P2119R.
Identifiers: ClinVar variation 3380066 (VCV003380066.2).

ClinVar aggregate classification (germline): Uncertain significance. Review status: criteria provided, multiple submitters, no conflicts (2 of 4 stars). 2 submissions from 2 submitters: Uncertain significance (2). Last evaluated 2026-06-01.

Conditions:
VWF-related disorder. Also called: VWF-related disorders; VWF-related condition.

Submissions (2):

PreventionGenetics, part of Exact Sciences
Classification: Uncertain significance for VWF-related condition. Last evaluated: 2026-06-01. Review status: criteria provided, single submitter. Criteria: ACMG Guidelines, 2015. Collection method: clinical testing. Allele origin: germline.
Comment: The VWF c.6356C>G variant is predicted to result in the amino acid substitution p.Pro2119Arg. To our knowledge, this variant has not been reported in the literature or in a large population database (gnomAD), indicating this variant is rare. At this time, the clinical significance of this variant is uncertain due to the absence of conclusive functional and genetic evidence.

Mayo Clinic Laboratories, Mayo Clinic
Classification: Uncertain significance. Last evaluated: 2024-05-09. Review status: criteria provided, single submitter. Criteria: ACMG Guidelines, 2015. Collection method: clinical testing. Allele origin: germline. Observed: 1 variant allele.
Comment: BP4, PM1_supporting, PM2_moderate